The following is an entry in ClinVar:

ClinVar aggregate classification (germline): Likely benign (1 of 4 stars; one submission).

Allele frequency attached by ClinVar (database versions not stated): ExAC 0.00001; gnomAD exomes 0.00001.
gnomAD v4.1: 4 of 1,613,264 alleles (0.00025%); highest among the groups gnomAD compares: Admixed American, 0.0067%; no homozygotes.

Submission:

Laboratory for Molecular Medicine, Mass General Brigham Personalized Medicine
Classification: Likely benign. Last evaluated: 2015-11-05. Review status: criteria provided, single submitter. Criteria: LMM Criteria. Collection method: clinical testing. Allele origin: germline. Observed: 1 variant allele.
Comment: p.Ala1349Ala in exon 11 of TECTA: This variant is not expected to have clinical significance because it does not alter an amino acid residue and is not located within the splice consensus sequence. It has been identified in 1/11463 of Latin o chromosomes by the Exome Aggregation Consortium (ExAC).

NM_005422.4(TECTA):c.4047C>T (p.Ala1349=)

Genes: TBCEL-TECTA (TBCEL-TECTA readthrough; plus strand), TECTA (tectorin alpha; plus strand). Cytogenetic location: 11q23.3.
Variant type: single nucleotide variant.
Coding change: c.4047C>T on transcript NM_005422.4 (MANE Select); coding-DNA position 4047, C replaced by T.
Protein change: p.Ala1349=; no amino-acid change (alanine 1349 retained).
Molecular consequence: synonymous variant.
Genome position (GRCh38, 1-based): chr11:121,146,058, C>T. VCF-style: chr11-121146058-C-T. GRCh37 (hg19) VCF-style: chr11-121016767-C-T.
Other names: c.5004C>T, p.Ala1668= (NM_001378761.1).
Identifiers: ClinVar variation 227998 (VCV000227998.5), dbSNP rs768673774, ClinGen allele CA6327342.